The following is an entry in ClinVar:

ClinVar aggregate classification (germline): Uncertain significance (1 of 4 stars; one submission).

Conditions:
Werner syndrome (WRN). Identifiers: Orphanet 902, MedGen C0043119, MONDO:0010196, OMIM 277700.

Submission:

Labcorp Genetics (formerly Invitae), Labcorp
Classification: Uncertain significance for Werner syndrome. Last evaluated: 2019-11-18. Review status: criteria provided, single submitter. Criteria: Invitae Variant Classification Sherloc (09022015). Collection method: clinical testing. Allele origin: germline.
Comment: In summary, the available evidence is currently insufficient to determine the role of this variant in disease. Therefore, it has been classified as a Variant of Uncertain Significance. Algorithms developed to predict the effect of missense changes on protein structure and function output the following: SIFT: "Tolerated"; PolyPhen-2: "Benign"; Align-GVGD: "Class C0". The leucine amino acid residue is found in multiple mammalian species, suggesting that this missense change does not adversely affect protein function. These predictions have not been confirmed by published functional studies. This variant has not been reported in the literature in individuals with WRN-related conditions. ClinVar contains an entry for this variant (Variation ID: 458480). This variant is not present in population databases (ExAC no frequency). This sequence change replaces phenylalanine with leucine at codon 1411 of the WRN protein (p.Phe1411Leu). The phenylalanine residue is moderately conserved and there is a small physicochemical difference between phenylalanine and leucine.

NM_000553.6(WRN):c.4231T>C (p.Phe1411Leu)

Genes: WRN (WRN RecQ like helicase; plus strand), LOC126860342 (MED14-independent group 3 enhancer GRCh37_chr8:31029565-31030764; plus strand). Cytogenetic location: 8p12.
Variant type: single nucleotide variant.
Coding change: c.4231T>C on transcript NM_000553.6 (MANE Select); coding-DNA position 4231, T replaced by C.
Protein change: p.Phe1411Leu; replaces phenylalanine 1411 with leucine.
Molecular consequence: missense variant.
Genome position (GRCh38, 1-based): chr8:31,173,034, T>C. VCF-style: chr8-31173034-T-C. GRCh37 (hg19) VCF-style: chr8-31030550-T-C.
Other names: short protein forms F1411L.
Identifiers: ClinVar variation 458480 (VCV000458480.6), dbSNP rs1554539890, ClinGen allele CA370911665.